The following is an entry in ClinVar:

ClinVar aggregate classification (germline): Benign. Review status: criteria provided, multiple submitters, no conflicts (2 of 4 stars). 6 submissions from 6 submitters: Benign (5). 1 of the submissions does not count toward it. Last evaluated 2026-02-03.

Allele frequency attached by ClinVar (database versions not stated): gnomAD 0.10516; ESP Exome Variant Server 0.11018; 1000 Genomes Project 0.10343; 1000 Genomes Project 30x 0.10759; TOPMed 0.10832.
gnomAD v4.1: 62,955 of 1,613,946 alleles (3.9%); highest among the groups gnomAD compares: African/African-American, 30%; 4,268 homozygotes.

Submissions (6):

Labcorp Genetics (formerly Invitae), Labcorp
Classification: Benign. Last evaluated: 2026-02-03. Review status: criteria provided, single submitter. Criteria: Invitae Variant Classification Sherloc (09022015). Collection method: clinical testing. Allele origin: germline.

ARUP Laboratories, Molecular Genetics and Genomics, ARUP Laboratories
Classification: Benign. Last evaluated: 2025-07-28. Review status: criteria provided, single submitter. Criteria: ARUP Molecular Germline Variant Investigation Process 2024. Collection method: clinical testing. Allele origin: germline.

Mayo Clinic Laboratories, Mayo Clinic
Classification: Benign. Last evaluated: 2022-09-06. Review status: criteria provided, single submitter. Criteria: ACMG Guidelines, 2015. Collection method: clinical testing. Allele origin: germline. Observed: 25 variant alleles.

GeneDx
Classification: Benign. Last evaluated: 2020-08-11. Review status: criteria provided, single submitter. Criteria: GeneDx Variant Classification Process June 2021. Collection method: clinical testing. Allele origin: germline. Affected: yes.
Comment: In silico analysis supports that this missense variant does not alter protein structure/function

Breakthrough Genomics
Classification: Benign. Review status: criteria provided, single submitter. Criteria: ACMG Guidelines, 2015. Collection method: not provided. Allele origin: germline. Inheritance: Autosomal recessive inheritance. Affected: yes.

ITMI
No classification provided. Condition: AllHighlyPenetrant. Last evaluated: 2013-09-19. Review status: no classification provided. Collection method: reference population. Allele origin: germline. Not counted in ClinVar's aggregate classification.
Comment: Please see associated publication for description of ethnicities

Literature cited by the submitters: PubMed 24728327 (cited by ITMI).

NM_001127208.3(TET2):c.652G>A (p.Val218Met)

Genes: TET2-AS1 (TET2 antisense RNA 1; minus strand), TET2 (tet methylcytosine dioxygenase 2; plus strand). Cytogenetic location: 4q24.
Variant type: single nucleotide variant.
Coding change: c.652G>A on transcript NM_001127208.3 (MANE Select); coding-DNA position 652, G replaced by A.
Protein change: p.Val218Met; replaces valine 218 with methionine.
Molecular consequence: missense variant.
Genome position (GRCh38, 1-based): chr4:105,234,594, G>A. VCF-style: chr4-105234594-G-A. GRCh37 (hg19) VCF-style: chr4-106155751-G-A.
Other names: c.652G>A, p.Val218Met (NM_017628.4); short protein forms V218M.
Identifiers: ClinVar variation 135321 (VCV000135321.11), dbSNP rs6843141, ClinGen allele CA162370.